The following is an entry in ClinVar:

NM_206933.4(USH2A):c.6083A>G (p.Tyr2028Cys)

Gene: USH2A (usherin; minus strand). Cytogenetic location: 1q41.
Variant type: single nucleotide variant.
Coding change: c.6083A>G on transcript NM_206933.4 (MANE Select); coding-DNA position 6083, A replaced by G.
Protein change: p.Tyr2028Cys; replaces tyrosine 2028 with cysteine.
Molecular consequence: missense variant.
Genome position (GRCh38, 1-based): chr1:216,048,614, T>C on the plus strand (A>G on the coding strand, the complement: USH2A is on the minus strand). VCF-style: chr1-216048614-T-C. GRCh37 (hg19) VCF-style: chr1-216221956-T-C.
Other names: NM_206933.4(USH2A):c.6083A>G; p.Tyr2028Cys; c.6083A>G (NM_206933.3); short protein forms Y2028C.
Identifiers: ClinVar variation 2151916 (VCV002151916.8), dbSNP rs756571385, ClinGen allele CA1395242.
Genomic context (GRCh38, chr1:216,048,614, plus strand): 5'-TTCAATGCATGTGAGCTCTCAGTACAGCCAGCCAAAGTGCAAGCAGTTAGGGTTACTGCA[T>C]AGTTTTTGAAGGGTAGCAAGCCTGTCAATATGCCTATAATAAAAAGGGACAAAAGAGGGT-3'
Protein context (NP_996816.3, residues 2018-2038): ILTGLLPFKN[Tyr2028Cys]AVTLTACTLA

ClinVar aggregate classification (germline): Uncertain significance. Review status: reviewed by expert panel (3 of 4 stars). 6 submissions from 5 submitters: Uncertain significance (1). 5 of the submissions do not count toward it. Last evaluated 2025-12-17.

Conditions:
Retinitis pigmentosa 39 (RP39). Identifiers: Orphanet 791, MedGen C3151138, MONDO:0013436, OMIM 613809.
Usher syndrome. Also called: Usher Syndromes; Usher's syndrome. Identifiers: Orphanet 886, MedGen CN469326, MeSH D052245, MONDO:0019501. Disease mechanism: loss of function.
Usher syndrome type 2A. Also called: RETINAL DISEASE IN USHER SYNDROME TYPE IIA, MODIFIER OF; USHER SYNDROME, TYPE IIA. Identifiers: Orphanet 231178, Orphanet 886, MedGen C1848634, MONDO:0010169, OMIM 276901.

Allele frequency attached by ClinVar (database versions not stated): gnomAD 0.00001; gnomAD exomes 0.00001; ExAC 0.00002.
gnomAD v4.1: 5 of 1,614,024 alleles (0.00031%); highest among the groups gnomAD compares: East Asian, 0.0089%; no homozygotes.

Submissions (6):

ClinGen Hearing Loss Variant Curation Expert Panel
Classification: Uncertain significance for Usher syndrome. Last evaluated: 2025-12-17. Review status: reviewed by expert panel. Criteria: Clingen Hl Acmg Specifications Cdh23 Coch Gjb2 Kcnq4 Myo6 Myo7a Slc26a4 Tecta Ush2a V2. Collection method: curation. Allele origin: germline. Inheritance: Autosomal recessive inheritance.
Comment: The c.6083A>G variant in USH2A is a missense variant predicted to cause substitution of tyrosine by cysteine at amino acid 2028 (p.Tyr2028Cys). The highest population minor allele frequency in gnomAD v4.1 is 0.00003348 (4/4488 alleles alleles) in the East Asian population which is lower than the ClinGen Hearing Loss VCEP threshold (≤0.00007) for PM2_Supporting, meeting this criterion (PM2_Supporting). The computational predictor REVEL gives a score of 0.89, which is above the threshold of 0.7, evidence that correlates with impact on USH2A function (PP3 met). Besides, it has been detected in trans with a variant of uncertain significance in a patient with poor vision in darkness and hearing loss (PMID: 29625443, 30029497; 0.25 points, PM3 not met). In summary, this variant meets criteria to be classified as variant of uncertain significance for autosomal recessive Usher syndrome based on the ACMG/AMP criteria applied as specified by the ClinGen Hearing Loss Expert Panel: PM2_Supporting, PP3 (ClinGen Hearing Loss VCEP specifications version 2; 12/17/2025).

Baylor Genetics
Classification: Likely pathogenic for Retinitis pigmentosa 39. Last evaluated: 2024-03-17. Review status: criteria provided, single submitter. Criteria: ACMG Guidelines, 2015. Collection method: clinical testing. Allele origin: unknown. Not counted in ClinVar's aggregate classification.

Labcorp Genetics (formerly Invitae), Labcorp
Classification: Likely pathogenic. Last evaluated: 2024-03-05. Review status: criteria provided, single submitter. Criteria: Invitae Variant Classification Sherloc (09022015). Collection method: clinical testing. Allele origin: germline. Not counted in ClinVar's aggregate classification.
Comment: This sequence change replaces tyrosine, which is neutral and polar, with cysteine, which is neutral and slightly polar, at codon 2028 of the USH2A protein (p.Tyr2028Cys). This variant is present in population databases (rs756571385, gnomAD 0.02%). This missense change has been observed in individual(s) with retinitis pigmentosa and/or Usher syndrome (PMID: 29625443, 33090715). ClinVar contains an entry for this variant (Variation ID: 2151916). Advanced modeling of protein sequence and biophysical properties (such as structural, functional, and spatial information, amino acid conservation, physicochemical variation, residue mobility, and thermodynamic stability) performed at Invitae indicates that this missense variant is expected to disrupt USH2A protein function with a positive predictive value of 95%. In summary, the currently available evidence indicates that the variant is pathogenic, but additional data are needed to prove that conclusively. Therefore, this variant has been classified as Likely Pathogenic.

Genome-Nilou Lab
Classification: Uncertain significance for Retinitis pigmentosa 39. Last evaluated: 2023-11-04. Review status: criteria provided, single submitter. Criteria: ACMG Guidelines, 2015. Collection method: clinical testing. Allele origin: germline. Affected: no. Not counted in ClinVar's aggregate classification.

Genome-Nilou Lab
Classification: Uncertain significance for Usher syndrome type 2A. Last evaluated: 2023-11-04. Review status: criteria provided, single submitter. Criteria: ACMG Guidelines, 2015. Collection method: clinical testing. Allele origin: germline. Affected: no. Not counted in ClinVar's aggregate classification.

Pangenia Genomics, Pangenia Inc.
Classification: Uncertain significance for Retinitis pigmentosa 39. Last evaluated: 2022-03-14. Review status: criteria provided, single submitter. Criteria: ACMG Guidelines, 2015. Collection method: research. Allele origin: unknown, paternal. Inheritance: Autosomal recessive inheritance. Affected: no and yes. Observed: 2 heterozygotes, 1 compound heterozygote. Not counted in ClinVar's aggregate classification.
Comment: The USH2A, c.6083A>G (p.Tyr2028Cys) variant is at extremely low frequency in population database; allele frequency in East Asia population is 0.0002 by gnomAD v2.1.1. This variant has been reported [PMID:30029497] to be detected in a retinitis pigmentosa patient, in trans with a known pathogenic variant [USH2A, c.2802T>G (p.Cys934Trp)]. Multiple lines of computational evidence support a deleterious effect on the gene/gene product (REVEL = 0.891). This variant is detected in trans with a variant of uncertain significance [USH2A, c.1625G>T (p.Ser542Ile)].

Literature cited by the submitters: PubMed 29625443 (cited by Labcorp Genetics (formerly Invitae), Labcorp); PubMed 33090715 (cited by Labcorp Genetics (formerly Invitae), Labcorp); PubMed 30029497 (cited by Pangenia Genomics, Pangenia Inc.).